The following is an entry in ClinVar:

NM_005228.5(EGFR):c.869C>T (p.Thr290Ile)

Gene: EGFR (epidermal growth factor receptor; plus strand). Cytogenetic location: 7p11.2.
Variant type: single nucleotide variant.
Coding change: c.869C>T on transcript NM_005228.5 (MANE Select); coding-DNA position 869, C replaced by T.
Protein change: p.Thr290Ile; replaces threonine 290 with isoleucine.
Molecular consequence: missense variant. On other transcripts: intron variant (1).
Genome position (GRCh38, 1-based): chr7:55,154,132, C>T. VCF-style: chr7-55154132-C-T. GRCh37 (hg19) VCF-style: chr7-55221825-C-T.
Other names: c.734C>T, p.Thr245Ile (NM_001346897.2, NM_001346899.2); c.869C>T, p.Thr290Ile (NM_001346898.2, NM_201282.2, NM_201283.2 and 1 more transcripts); c.710C>T, p.Thr237Ile (NM_001346900.2); c.89-1698C>T (NM_001346941.2); short protein forms T245I, T237I, T290I.
Identifiers: ClinVar variation 943452 (VCV000943452.10), dbSNP rs1020654485, ClinGen allele CA158912259.

ClinVar aggregate classification (germline): Conflicting classifications of pathogenicity. Review status: criteria provided, conflicting classifications (1 of 4 stars). 3 submissions from 3 submitters: Uncertain significance (2); Likely benign (1). Last evaluated 2025-09-23.

Conditions:
EGFR-related lung cancer (EGFR). Identifiers: MedGen CN130014.
Hereditary cancer. Identifiers: MedGen C1333600.
Hereditary cancer-predisposing syndrome. Also called: Neoplastic Syndromes, Hereditary; Hereditary Cancer Syndrome; Tumor predisposition; Hereditary neoplastic syndrome. Identifiers: Orphanet 140162, MedGen C0027672, MeSH D009386, MONDO:0015356.

Allele frequency attached by ClinVar (database versions not stated): gnomAD exomes 0.00001; TOPMed 0.00002.
gnomAD v4.1: 8 of 1,614,248 alleles (0.0005%); highest among the groups gnomAD compares: Admixed American, 0.0017%; no homozygotes.

Submissions (3):

Labcorp Genetics (formerly Invitae), Labcorp
Classification: Uncertain significance for EGFR-related lung cancer. Last evaluated: 2025-09-23. Review status: criteria provided, single submitter. Criteria: Invitae Variant Classification Sherloc (09022015). Collection method: clinical testing. Allele origin: germline.
Comment: This sequence change replaces threonine, which is neutral and polar, with isoleucine, which is neutral and non-polar, at codon 290 of the EGFR protein (p.Thr290Ile). This variant is present in population databases (no rsID available, gnomAD 0.003%). This variant has not been reported in the literature in individuals affected with EGFR-related conditions. ClinVar contains an entry for this variant (Variation ID: 943452). Invitae Evidence Modeling of protein sequence and biophysical properties (such as structural, functional, and spatial information, amino acid conservation, physicochemical variation, residue mobility, and thermodynamic stability) indicates that this missense variant is not expected to disrupt EGFR protein function with a negative predictive value of 80%. In summary, the available evidence is currently insufficient to determine the role of this variant in disease. Therefore, it has been classified as a Variant of Uncertain Significance.

Ambry Genetics
Classification: Uncertain significance for Hereditary cancer-predisposing syndrome. Last evaluated: 2025-06-03. Review status: criteria provided, single submitter. Criteria: Ambry Variant Classification Scheme 2023. Collection method: clinical testing. Allele origin: germline.
Comment: The p.T290I variant (also known as c.869C>T), located in coding exon 7 of the EGFR gene, results from a C to T substitution at nucleotide position 869. The threonine at codon 290 is replaced by isoleucine, an amino acid with similar properties. This amino acid position is highly conserved in available vertebrate species. In addition, the in silico prediction for this alteration is inconclusive. Based on the available evidence, the clinical significance of this variant remains unclear.

Mendelics
Classification: Likely benign for Hereditary cancer. Last evaluated: 2024-01-23. Review status: criteria provided, single submitter. Criteria: ACMG Guidelines, 2015. Collection method: clinical testing. Allele origin: unknown.